The following is an entry in ClinVar:

NM_001563.4(IMPG1):c.1253del (p.Gln418fs)

Gene: IMPG1 (interphotoreceptor matrix proteoglycan 1; minus strand). Cytogenetic location: 6q14.1.
Variant type: Deletion.
Coding change: c.1253del on transcript NM_001563.4 (MANE Select); coding-DNA position 1253, one base deleted (A; older notation c.1253delA).
Protein change: p.Gln418fs; shifts the reading frame from glutamine 418.
Molecular consequence: frameshift variant.
Genome position (GRCh38, 1-based): chr6:76,002,956, T deleted on the plus strand (A on the coding strand, the reverse complement: IMPG1 is on the minus strand). VCF-style (leftmost placement, unchanged base first): chr6-76002955-CT-C. GRCh37 (hg19) VCF-style: chr6-76712672-CT-C.
Other names: c.1019del, p.Gln340fs (NM_001282368.2); short protein forms Q340fs, Q418fs.
Identifiers: ClinVar variation 1052891 (VCV001052891.5), dbSNP rs868584856, ClinGen allele CA141081608.
Genomic context (GRCh38, chr6:76,002,955, plus strand): 5'-AGACTTTGTGAGGGGAAACTTACCAGGTAGACCATGCTCTGCTCCGTCCACTGTCTCAAG[CT>C]GGGGTTCAACAGGAGGAAGTTCTGGACTCAAAGTAGCATCCTGAAGAATGAATTTTGCAA-3'

ClinVar aggregate classification (germline): Pathogenic (1 of 4 stars; one submission).

Allele frequency attached by ClinVar (database versions not stated): gnomAD exomes below 0.00001; gnomAD 0.00001; TOPMed 0.00002.

Submission:

Labcorp Genetics (formerly Invitae), Labcorp
Classification: Pathogenic. Last evaluated: 2023-07-21. Review status: criteria provided, single submitter. Criteria: Invitae Variant Classification Sherloc (09022015). Collection method: clinical testing. Allele origin: germline.
Comment: For these reasons, this variant has been classified as Pathogenic. ClinVar contains an entry for this variant (Variation ID: 1052891). This variant has not been reported in the literature in individuals affected with IMPG1-related conditions. This variant is present in population databases (no rsID available, gnomAD 0.01%). This sequence change creates a premature translational stop signal (p.Gln418Argfs*42) in the IMPG1 gene. It is expected to result in an absent or disrupted protein product. Loss-of-function variants in IMPG1 are known to be pathogenic (PMID: 23993198).

Literature cited by the submitters: PubMed 23993198.